The following is an entry in ClinVar:

ClinVar aggregate classification (germline): Benign (0 of 4 stars; one submission).

Conditions:
ACP4-related disorder. Also called: ACP4-related condition.

Allele frequency attached by ClinVar (database versions not stated): ESP Exome Variant Server 0.08964; ExAC 0.09870; 1000 Genomes Project 0.09964; gnomAD 0.10141; 1000 Genomes Project 30x 0.10166; TOPMed 0.10452.
gnomAD v4.1: 137,076 of 1,545,498 alleles (8.9%); highest among the groups gnomAD compares: African/African-American, 13%; 6,439 homozygotes.

Submissions (12):

PreventionGenetics, part of Exact Sciences
Classification: Benign for ACP4-related condition. Last evaluated: 2020-01-20. Review status: no assertion criteria provided. Collection method: clinical testing. Allele origin: germline.
Comment: This variant is classified as benign based on ACMG/AMP sequence variant interpretation guidelines (Richards et al. 2015 PMID: 25741868, with internal and published modifications).

Dr. Peter K. Rogan Lab, Western University
No classification provided (evidence only). Condition: Familial cancer of breast. Review status: no classification provided. Collection method: in vitro. Allele origin: not applicable. Functional consequence: retained intron. Not counted in ClinVar's aggregate classification.

Dr. Peter K. Rogan Lab, Western University
No classification provided (evidence only). Condition: Acute myeloid leukemia. Review status: no classification provided. Collection method: in vitro. Allele origin: not applicable. Functional consequence: retained intron. Not counted in ClinVar's aggregate classification.

Dr. Peter K. Rogan Lab, Western University
No classification provided (evidence only). Condition: Acute myeloid leukemia. Review status: no classification provided. Collection method: in vitro. Allele origin: not applicable. Functional consequence: retained intron. Not counted in ClinVar's aggregate classification.

Dr. Peter K. Rogan Lab, Western University
No classification provided (evidence only). Condition: Acute myeloid leukemia. Review status: no classification provided. Collection method: in vitro. Allele origin: not applicable. Functional consequence: retained intron. Not counted in ClinVar's aggregate classification.

Dr. Peter K. Rogan Lab, Western University
No classification provided (evidence only). Condition: Ovarian serous cystadenocarcinoma. Review status: no classification provided. Collection method: in vitro. Allele origin: not applicable. Functional consequence: retained intron. Not counted in ClinVar's aggregate classification.

Dr. Peter K. Rogan Lab, Western University
No classification provided (evidence only). Condition: Ovarian serous cystadenocarcinoma. Review status: no classification provided. Collection method: in vitro. Allele origin: not applicable. Functional consequence: retained intron. Not counted in ClinVar's aggregate classification.

Dr. Peter K. Rogan Lab, Western University
No classification provided (evidence only). Condition: Ovarian serous cystadenocarcinoma. Review status: no classification provided. Collection method: in vitro. Allele origin: not applicable. Functional consequence: retained intron. Not counted in ClinVar's aggregate classification.

Dr. Peter K. Rogan Lab, Western University
No classification provided (evidence only). Condition: Ovarian serous cystadenocarcinoma. Review status: no classification provided. Collection method: in vitro. Allele origin: not applicable. Functional consequence: retained intron. Not counted in ClinVar's aggregate classification.

Dr. Peter K. Rogan Lab, Western University
No classification provided (evidence only). Condition: Gastric cancer. Review status: no classification provided. Collection method: in vitro. Allele origin: not applicable. Functional consequence: retained intron. Not counted in ClinVar's aggregate classification.

Dr. Peter K. Rogan Lab, Western University
No classification provided (evidence only). Condition: Gastric cancer. Review status: no classification provided. Collection method: in vitro. Allele origin: not applicable. Functional consequence: retained intron. Not counted in ClinVar's aggregate classification.

Dr. Peter K. Rogan Lab, Western University
No classification provided (evidence only). Condition: Gastric cancer. Review status: no classification provided. Collection method: in vitro. Allele origin: not applicable. Functional consequence: retained intron. Not counted in ClinVar's aggregate classification.

NM_033068.3(ACP4):c.216G>A (p.Thr72=)

Gene: ACP4 (acid phosphatase 4; plus strand). Cytogenetic location: 19q13.33.
Variant type: single nucleotide variant.
Coding change: c.216G>A on transcript NM_033068.3 (MANE Select); coding-DNA position 216, G replaced by A.
Protein change: p.Thr72=; no amino-acid change (threonine 72 retained).
Molecular consequence: synonymous variant.
Genome position (GRCh38, 1-based): chr19:50,790,698, G>A. VCF-style: chr19-50790698-G-A. GRCh37 (hg19) VCF-style: chr19-51293955-G-A.
Other names: NC_000019.9:g.51293955G>A.
Identifiers: ClinVar variation 3058974 (VCV003058974.3), dbSNP rs2162784, ClinGen allele CA9602872.